The following is an entry in ClinVar:

ClinVar aggregate classification (germline): Uncertain significance (1 of 4 stars; one submission).

Conditions:
Bardet-Biedl syndrome (BBS). Identifiers: Orphanet 110, MedGen C0752166, MONDO:0015229.

Submission:

Labcorp Genetics (formerly Invitae), Labcorp
Classification: Uncertain significance for Bardet-Biedl syndrome. Last evaluated: 2021-06-21. Review status: criteria provided, single submitter. Criteria: Invitae Variant Classification Sherloc (09022015). Collection method: clinical testing. Allele origin: germline.
Comment: This variant has been observed in individual(s) with clinical features of BBS2-related conditions (Invitae). Algorithms developed to predict the effect of missense changes on protein structure and function (SIFT, PolyPhen-2, Align-GVGD) all suggest that this variant is likely to be tolerated, but these predictions have not been confirmed by published functional studies and their clinical significance is uncertain. In summary, the available evidence is currently insufficient to determine the role of this variant in disease. Therefore, it has been classified as a Variant of Uncertain Significance. This variant is not present in population databases (ExAC no frequency). This sequence change replaces alanine with glycine at codon 122 of the BBS2 protein (p.Ala122Gly). The alanine residue is highly conserved and there is a small physicochemical difference between alanine and glycine.

NM_031885.5(BBS2):c.365C>G (p.Ala122Gly)

Gene: BBS2 (Bardet-Biedl syndrome 2; minus strand). Cytogenetic location: 16q13.
Variant type: single nucleotide variant.
Coding change: c.365C>G on transcript NM_031885.5 (MANE Select); coding-DNA position 365, C replaced by G.
Protein change: p.Ala122Gly; replaces alanine 122 with glycine.
Molecular consequence: missense variant. On other transcripts: non-coding transcript variant (5).
Genome position (GRCh38, 1-based): chr16:56,511,265, G>C on the plus strand (C>G on the coding strand, the complement: BBS2 is on the minus strand). VCF-style: chr16-56511265-G-C. GRCh37 (hg19) VCF-style: chr16-56545177-G-C.
Other names: c.365C>G, p.Ala122Gly (NM_001377456.1); short protein forms A122G.
Identifiers: ClinVar variation 1481698 (VCV001481698.8), dbSNP rs17856449, ClinGen allele CA395984517.